The following is an entry in ClinVar:

NM_006514.4(SCN10A):c.1531G>A (p.Gly511Ser)

Gene: SCN10A (sodium voltage-gated channel alpha subunit 10; minus strand). Cytogenetic location: 3p22.2.
Variant type: single nucleotide variant.
Coding change: c.1531G>A on transcript NM_006514.4 (MANE Select); coding-DNA position 1531, G replaced by A.
Protein change: p.Gly511Ser; replaces glycine 511 with serine.
Molecular consequence: missense variant. On other transcripts: intron variant (1).
Genome position (GRCh38, 1-based): chr3:38,752,443, C>T on the plus strand (G>A on the coding strand, the complement: SCN10A is on the minus strand). VCF-style: chr3-38752443-C-T. GRCh37 (hg19) VCF-style: chr3-38793934-C-T.
Other names: c.1531G>A, p.Gly511Ser (NM_001293306.2); c.1462-2259G>A (NM_001293307.2); short protein forms G511S.
Identifiers: ClinVar variation 1774640 (VCV001774640.7), dbSNP rs758503519, ClinGen allele CA2320816.

ClinVar aggregate classification (germline): Uncertain significance. Review status: criteria provided, multiple submitters, no conflicts (2 of 4 stars). 2 submissions from 2 submitters: Uncertain significance (2). Last evaluated 2022-04-15.

Conditions:
Cardiovascular phenotype. Identifiers: MedGen CN230736.
Brugada syndrome. Also called: Sudden unexpected nocturnal death syndrome; Sudden unexplained nocturnal death syndrome; Sudden Unexplained Death Syndrome; Sudden Unexplained Nocturnal Death Syndrome (SUNDS). Identifiers: Orphanet 130, MedGen C1142166, MONDO:0015263.

Allele frequency attached by ClinVar (database versions not stated): ExAC 0.00001; gnomAD exomes 0.00001.
gnomAD v4.1: 11 of 1,613,048 alleles (0.00068%); highest among the groups gnomAD compares: South Asian, 0.0099%; no homozygotes.

Submissions (2):

Labcorp Genetics (formerly Invitae), Labcorp
Classification: Uncertain significance for Brugada syndrome. Last evaluated: 2022-04-15. Review status: criteria provided, single submitter. Criteria: Invitae Variant Classification Sherloc (09022015). Collection method: clinical testing. Allele origin: germline.
Comment: This variant is present in population databases (rs758503519, gnomAD 0.01%). This sequence change replaces glycine, which is neutral and non-polar, with serine, which is neutral and polar, at codon 511 of the SCN10A protein (p.Gly511Ser). This variant has not been reported in the literature in individuals affected with SCN10A-related conditions. In summary, the available evidence is currently insufficient to determine the role of this variant in disease. Therefore, it has been classified as a Variant of Uncertain Significance. Algorithms developed to predict the effect of sequence changes on RNA splicing suggest that this variant may disrupt the consensus splice site. Advanced modeling of protein sequence and biophysical properties (such as structural, functional, and spatial information, amino acid conservation, physicochemical variation, residue mobility, and thermodynamic stability) performed at Invitae indicates that this missense variant is not expected to disrupt SCN10A protein function.

Ambry Genetics
Classification: Uncertain significance for Cardiovascular phenotype. Last evaluated: 2021-06-08. Review status: criteria provided, single submitter. Criteria: Ambry Variant Classification Scheme 2023. Collection method: clinical testing. Allele origin: germline.
Comment: The p.G511S variant (also known as c.1531G>A), located in coding exon 11 of the SCN10A gene, results from a G to A substitution at nucleotide position 1531. The glycine at codon 511 is replaced by serine, an amino acid with similar properties. This amino acid position is not well conserved in available vertebrate species, and serine is the reference amino acid in other vertebrate species. In addition, this alteration is predicted to be tolerated by in silico analysis. Since supporting evidence is limited at this time, the clinical significance of this alteration remains unclear.